The following is an entry in ClinVar:

NM_000836.4(GRIN2D):c.2563G>T (p.Ala855Ser)

Gene: GRIN2D (glutamate ionotropic receptor NMDA type subunit 2D; plus strand). Cytogenetic location: 19q13.33.
Variant type: single nucleotide variant.
Coding change: c.2563G>T on transcript NM_000836.4 (MANE Select); coding-DNA position 2563, G replaced by T.
Protein change: p.Ala855Ser; replaces alanine 855 with serine.
Molecular consequence: missense variant.
Genome position (GRCh38, 1-based): chr19:48,442,272, G>T. VCF-style: chr19-48442272-G-T. GRCh37 (hg19) VCF-style: chr19-48945529-G-T.
Other names: short protein forms A855S.
Identifiers: ClinVar variation 2630182 (VCV002630182.1), dbSNP rs2513691157, ClinGen allele CA406670297.

ClinVar aggregate classification (germline): Uncertain significance (1 of 4 stars; one submission).

Conditions:
GRIN2D-related disorder. Also called: GRIN2D-related condition.

Submission:

PreventionGenetics, part of Exact Sciences
Classification: Uncertain significance for GRIN2D-related condition. Last evaluated: 2023-02-11. Review status: criteria provided, single submitter. Criteria: ACMG Guidelines, 2015. Collection method: clinical testing. Allele origin: germline.
Comment: The GRIN2D c.2563G>T variant is predicted to result in the amino acid substitution p.Ala855Ser. To our knowledge, this variant has not been reported in the literature or in a large population database, indicating this variant is rare. At this time, the clinical significance of this variant is uncertain due to the absence of conclusive functional and genetic evidence.